The following is an entry in ClinVar:

ClinVar aggregate classification (germline): Benign. Review status: criteria provided, multiple submitters, no conflicts (2 of 4 stars). 7 submissions from 7 submitters: Benign (7). Last evaluated 2026-02-04.

Conditions:
Perlman syndrome (PRLMNS). Identifiers: Orphanet 2849, MedGen C0796113, MONDO:0009965, OMIM 267000.

Allele frequency attached by ClinVar (database versions not stated): gnomAD exomes 0.07876 and 0.09543; ExAC 0.09614; ESP Exome Variant Server 0.10473; gnomAD 0.10809 and 0.11049; 1000 Genomes Project 0.11242; TOPMed 0.11581; 1000 Genomes Project 30x 0.11805.
gnomAD v4.1: 132,003 of 1,613,826 alleles (8.2%); highest among the groups gnomAD compares: African/African-American, 19%; 6,444 homozygotes.

Submissions (7):

Labcorp Genetics (formerly Invitae), Labcorp
Classification: Benign for Perlman syndrome. Last evaluated: 2026-02-04. Review status: criteria provided, single submitter. Criteria: Invitae Variant Classification Sherloc (09022015). Collection method: clinical testing. Allele origin: germline.

Blueprint Genetics
Classification: Benign. Last evaluated: 2024-11-26. Review status: criteria provided, single submitter. Criteria: ACMG Guidelines, 2015. Collection method: clinical testing. Allele origin: germline.

Mayo Clinic Laboratories, Mayo Clinic
Classification: Benign. Last evaluated: 2021-04-26. Review status: criteria provided, single submitter. Criteria: ACMG Guidelines, 2015. Collection method: clinical testing. Allele origin: germline. Observed: 52 variant alleles.

GeneDx
Classification: Benign. Last evaluated: 2019-02-24. Review status: criteria provided, single submitter. Criteria: GeneDx Variant Classification Process June 2021. Collection method: clinical testing. Allele origin: germline. Affected: yes.

Illumina Laboratory Services, Illumina
Classification: Benign for Perlman syndrome. Last evaluated: 2018-01-12. Review status: criteria provided, single submitter. Criteria: ICSL Variant Classification Criteria 13 December 2019. Collection method: clinical testing. Allele origin: germline.
Comment: This variant was observed in the ICSL laboratory as part of a predisposition screen in an ostensibly healthy population. It had not been previously curated by ICSL or reported in the Human Gene Mutation Database (HGMD: prior to June 1st, 2018), and was therefore a candidate for classification through an automated scoring system. Utilizing variant allele frequency, disease prevalence and penetrance estimates, and inheritance mode, an automated score was calculated to assess if this variant is too frequent to cause the disease. Based on the score and internal cut-off values, a variant classified as benign is not then subjected to further curation. The score for this variant resulted in a classification of benign for this disease.

Breakthrough Genomics
Classification: Benign. Review status: criteria provided, single submitter. Criteria: ACMG Guidelines, 2015. Collection method: not provided. Allele origin: germline. Inheritance: Autosomal recessive inheritance. Affected: yes.

PreventionGenetics, part of Exact Sciences
Classification: Benign. Review status: criteria provided, single submitter. Criteria: ACMG Guidelines, 2015. Collection method: clinical testing. Allele origin: germline.

NM_152383.5(DIS3L2):c.456A>G (p.Gln152=)

Gene: DIS3L2 (DIS3 like 3'-5' exoribonuclease 2; plus strand). Cytogenetic location: 2q37.1.
Variant type: single nucleotide variant.
Coding change: c.456A>G on transcript NM_152383.5 (MANE Select); coding-DNA position 456, A replaced by G.
Protein change: p.Gln152=; no amino-acid change (glutamine 152 retained).
Molecular consequence: synonymous variant. On other transcripts: non-coding transcript variant (2).
Genome position (GRCh38, 1-based): chr2:232,087,576, A>G. VCF-style: chr2-232087576-A-G. GRCh37 (hg19) VCF-style: chr2-232952286-A-G.
Other names: p.Gln152=; c.456A>G, p.Gln152= (NM_001257281.2, NM_001257282.2).
Identifiers: ClinVar variation 262632 (VCV000262632.19), dbSNP rs11887184, ClinGen allele CA2163831.